The following is an entry in ClinVar:

NM_003919.3(SGCE):c.109+5G>C

Gene: SGCE (sarcoglycan epsilon; minus strand). Cytogenetic location: 7q21.3.
Variant type: single nucleotide variant.
Coding change: c.109+5G>C on transcript NM_003919.3 (MANE Select); 5 bases into the intron after coding-DNA position 109, G replaced by C.
Molecular consequence: intron variant.
Genome position (GRCh38, 1-based): chr7:94,655,985, C>G on the plus strand (G>C on the coding strand, the complement: SGCE is on the minus strand). VCF-style: chr7-94655985-C-G. GRCh37 (hg19) VCF-style: chr7-94285297-C-G.
Other names: c.109+5G>C (NM_001362809.2, NM_001301139.2, NM_001346717.2 and 4 more transcripts); c.-155+5G>C (NM_001362807.2); c.-227+5G>C (NM_001362808.2, NM_001346720.2); c.-149+5G>C (NM_001346719.2).
Identifiers: ClinVar variation 4709519 (VCV004709519.1).

ClinVar aggregate classification (germline): Likely pathogenic (1 of 4 stars; one submission).

Conditions:
Myoclonic dystonia 11 (DYT11). Also called: Myoclonic dystonia; Dystonia 11; Dystonia, alcohol responsive; Hereditary essential myoclonus; SGCE Myoclonus-Dystonia; Myoclonus-Dystonia. Identifiers: Orphanet 36899, MedGen C1834570, MONDO:0008044, OMIM 159900.

Submission:

Labcorp Genetics (formerly Invitae), Labcorp
Classification: Likely pathogenic for Myoclonic dystonia 11. Last evaluated: 2025-12-08. Review status: criteria provided, single submitter. Criteria: Invitae Variant Classification Sherloc (09022015). Collection method: clinical testing. Allele origin: germline.
Comment: This sequence change falls in intron 1 of the SGCE gene. It does not directly change the encoded amino acid sequence of the SGCE protein. It affects a nucleotide within the consensus splice site. This variant is not present in population databases (gnomAD no frequency). This variant has been observed in individuals with clinical features of dystonia and related disorders (PMID: 23365103, 29801903; internal data). Variants that disrupt the consensus splice site are a relatively common cause of aberrant splicing (PMID: 17576681, 9536098). Algorithms developed to predict the effect of sequence changes on RNA splicing suggest that this variant may disrupt the consensus splice site. In summary, the currently available evidence indicates that the variant is pathogenic, but additional data are needed to prove that conclusively. Therefore, this variant has been classified as Likely Pathogenic.

Literature cited by the submitters: PubMed 23365103; PubMed 29801903; PubMed 17576681; PubMed 9536098.